The following is an entry in ClinVar:

NM_000360.4(TH):c.393C>T (p.Phe131=)

Gene: TH (tyrosine hydroxylase; minus strand). Cytogenetic location: 11p15.5.
Variant type: single nucleotide variant.
Coding change: c.393C>T on transcript NM_000360.4 (MANE Select); coding-DNA position 393, C replaced by T.
Protein change: p.Phe131=; no amino-acid change (phenylalanine 131 retained).
Molecular consequence: synonymous variant.
Genome position (GRCh38, 1-based): chr11:2,168,585, G>A on the plus strand (C>T on the coding strand, the complement: TH is on the minus strand). VCF-style: chr11-2168585-G-A. GRCh37 (hg19) VCF-style: chr11-2189815-G-A.
Other names: c.486C>T, p.Phe162= (NM_199292.3); c.474C>T, p.Phe158= (NM_199293.3); c.486C>T (NM_199292.2).
Identifiers: ClinVar variation 879182 (VCV000879182.15), dbSNP rs1239693053, ClinGen allele CA472035303.
Genomic context (GRCh38, chr11:2,168,585, plus strand): 5'-CACCTGGCGCACACCACTGAGCAGGGCGGCCAGGTCCCCTCGGCGCACCTCGAGGCGCAC[G>A]AAGTACTCCAGGTGGGGGCCCCCAGCTCGCGGCCTCTGGGCGGGCCGGGTCTCTAGATGG-3'
Protein context (NP_000351.2, residues 121-141): PRAGGPHLEY[Phe131=]VRLEVRRGDL

ClinVar aggregate classification (germline): Conflicting classifications of pathogenicity. Review status: criteria provided, conflicting classifications (1 of 4 stars). 3 submissions from 3 submitters: Uncertain significance (1); Likely benign (1). 1 of the submissions does not count toward it. Last evaluated 2023-10-10.

Conditions:
TH-deficient dopa-responsive dystonia. Also called: Tyrosine Hydroxylase-Deficient Dopa-Responsive Dystonia; DYT-TH; Segawa syndrome, autosomal recessive. Identifiers: Orphanet 101150, MedGen C2673535, MONDO:0011551, OMIM 605407.
TH-related disorder. Also called: TH-related condition.

Allele frequency attached by ClinVar (database versions not stated): gnomAD exomes below 0.00001; TOPMed 0.00001; gnomAD 0.00002 and 0.00001.

Submissions (3):

Labcorp Genetics (formerly Invitae), Labcorp
Classification: Likely benign for TH-deficient dopa-responsive dystonia. Last evaluated: 2023-10-10. Review status: criteria provided, single submitter. Criteria: Invitae Variant Classification Sherloc (09022015). Collection method: clinical testing. Allele origin: germline.

Illumina Laboratory Services, Illumina
Classification: Uncertain significance for TH-deficient dopa-responsive dystonia. Last evaluated: 2018-01-12. Review status: criteria provided, single submitter. Criteria: ICSL Variant Classification Criteria 13 December 2019. Collection method: clinical testing. Allele origin: germline.

PreventionGenetics, part of Exact Sciences
Classification: Likely benign for TH-related condition. Last evaluated: 2019-05-28. Review status: no assertion criteria provided. Collection method: clinical testing. Allele origin: germline. Not counted in ClinVar's aggregate classification.
Comment: This variant is classified as likely benign based on ACMG/AMP sequence variant interpretation guidelines (Richards et al. 2015 PMID: 25741868, with internal and published modifications).